The following is an entry in ClinVar:

ClinVar aggregate classification (germline): Uncertain significance. Review status: criteria provided, single submitter (1 of 4 stars). 2 submissions from 2 submitters: Uncertain significance (1). 1 of the submissions does not count toward it. Last evaluated 2021-09-01.

Conditions:
NINL-related disorder. Also called: NINL-related condition.

Allele frequency attached by ClinVar (database versions not stated): 1000 Genomes Project 30x 0.00031; 1000 Genomes Project 0.00040; ESP Exome Variant Server 0.00215.
gnomAD v4.1: 4,503 of 1,612,764 alleles (0.28%); highest among the groups gnomAD compares: Non-Finnish European, 0.35%; 10 homozygotes.

Submissions (2):

Ambry Genetics
Classification: Uncertain significance. Last evaluated: 2021-09-01. Review status: criteria provided, single submitter. Criteria: Ambry Variant Classification Scheme 2023. Collection method: clinical testing. Allele origin: germline.

PreventionGenetics, part of Exact Sciences
Classification: Likely benign for NINL-related condition. Last evaluated: 2022-02-15. Review status: no assertion criteria provided. Collection method: clinical testing. Allele origin: germline. Not counted in ClinVar's aggregate classification.
Comment: This variant is classified as likely benign based on ACMG/AMP sequence variant interpretation guidelines (Richards et al. 2015 PMID: 25741868, with internal and published modifications).

NM_025176.6(NINL):c.652G>C (p.Glu218Gln)

Gene: NINL (ninein like; minus strand). Cytogenetic location: 20p11.21.
Variant type: single nucleotide variant.
Coding change: c.652G>C on transcript NM_025176.6 (MANE Select); coding-DNA position 652, G replaced by C.
Protein change: p.Glu218Gln; replaces glutamic acid 218 with glutamine.
Molecular consequence: missense variant.
Genome position (GRCh38, 1-based): chr20:25,504,944, C>G on the plus strand (G>C on the coding strand, the complement: NINL is on the minus strand). VCF-style: chr20-25504944-C-G. GRCh37 (hg19) VCF-style: chr20-25485580-C-G.
Other names: c.652G>C, p.Glu218Gln (NM_001318226.2); c.652G>C (NM_025176.5); short protein forms E218Q.
Identifiers: ClinVar variation 2213233 (VCV002213233.4), dbSNP rs117522200, ClinGen allele CA9798013.